The following is an entry in ClinVar:

ClinVar aggregate classification (germline): Uncertain significance (1 of 4 stars; one submission).

Conditions:
Neutropenia, severe congenital, 2, autosomal dominant. Identifiers: Orphanet 486, MedGen C2751288, MONDO:0013139, OMIM 613107.

Submission:

Illumina Laboratory Services, Illumina
Classification: Uncertain significance for Neutropenia, severe congenital, 2, autosomal dominant. Last evaluated: 2023-07-19. Review status: criteria provided, single submitter. Criteria: ICSLVariantClassificationCriteria RUGD 01 April 2020. Collection method: clinical testing. Allele origin: unknown.
Comment: The GFI1 c.5C>T (p.Pro2Leu) missense variant has not, to our knowledge, been reported in the peer-reviewed literature. This variant is not observed in version 2.1.1 or version 3.1.2 of the Genome Aggregation Database. The p.Pro2Leu was identified in a de novo state. Based on the available evidence, the c.5C>T (p.Pro2Leu) variant is classified as a variant of uncertain significance for severe congenital neutropenia.

NM_005263.5(GFI1):c.5C>T (p.Pro2Leu)

Gene: GFI1 (growth factor independent 1 transcriptional repressor; minus strand). Cytogenetic location: 1p22.1.
Variant type: single nucleotide variant.
Coding change: c.5C>T on transcript NM_005263.5 (MANE Select); coding-DNA position 5, C replaced by T.
Protein change: p.Pro2Leu; replaces proline 2 with leucine.
Molecular consequence: missense variant.
Genome position (GRCh38, 1-based): chr1:92,483,483, G>A on the plus strand (C>T on the coding strand, the complement: GFI1 is on the minus strand). VCF-style: chr1-92483483-G-A. GRCh37 (hg19) VCF-style: chr1-92949040-G-A.
Other names: c.5C>T, p.Pro2Leu (NM_001127215.3, NM_001127216.3); short protein forms P2L.
Identifiers: ClinVar variation 2637948 (VCV002637948.1), dbSNP rs2524743186, ClinGen allele CA341150900.
Genomic context (GRCh38, chr1:92,483,483, plus strand): 5'-CCTGGGGAGCGCGGCTGGTGGTAGCTGTGAGCCTTCTTGCTTTTGACGAGAAATGAGCGC[G>A]GCATGGTGGTCCGGCACTTTCCCCACTGCGCCCCAAGAGTCCCTGGAGCCGCTGTCACCC-3'
Protein context (NP_005254.2, residues 1-12): M[Pro2Leu]RSFLVKSKKA